The following is an entry in ClinVar:

ClinVar aggregate classification (germline): Uncertain significance (1 of 4 stars; one submission).

Submission:

Labcorp Genetics (formerly Invitae), Labcorp
Classification: Uncertain significance. Last evaluated: 2025-09-10. Review status: criteria provided, single submitter. Criteria: Invitae Variant Classification Sherloc (09022015). Collection method: clinical testing. Allele origin: germline.
Comment: This sequence change replaces serine, which is neutral and polar, with threonine, which is neutral and polar, at codon 164 of the SLC1A2 protein (p.Ser164Thr). This variant is not present in population databases (gnomAD no frequency). This variant has not been reported in the literature in individuals affected with SLC1A2-related conditions. Invitae Evidence Modeling of protein sequence and biophysical properties (such as structural, functional, and spatial information, amino acid conservation, physicochemical variation, residue mobility, and thermodynamic stability) indicates that this missense variant is not expected to disrupt SLC1A2 protein function with a negative predictive value of 80%. In summary, the available evidence is currently insufficient to determine the role of this variant in disease. Therefore, it has been classified as a Variant of Uncertain Significance.

NM_004171.4(SLC1A2):c.491G>C (p.Ser164Thr)

Gene: SLC1A2 (solute carrier family 1 member 2; minus strand). Cytogenetic location: 11p13.
Variant type: single nucleotide variant.
Coding change: c.491G>C on transcript NM_004171.4 (MANE Select); coding-DNA position 491, G replaced by C.
Protein change: p.Ser164Thr; replaces serine 164 with threonine.
Molecular consequence: missense variant.
Genome position (GRCh38, 1-based): chr11:35,312,268, C>G on the plus strand (G>C on the coding strand, the complement: SLC1A2 is on the minus strand). VCF-style: chr11-35312268-C-G. GRCh37 (hg19) VCF-style: chr11-35333815-C-G.
Other names: c.464G>C, p.Ser155Thr (NM_001195728.3, NM_001252652.2, NM_001439341.1); c.479G>C, p.Ser160Thr (NM_001439342.1); c.491G>C, p.Ser164Thr (NM_001439343.1); short protein forms S155T, S164T, S160T.
Identifiers: ClinVar variation 4705180 (VCV004705180.1).